The following is an entry in ClinVar:

NM_000059.4(BRCA2):c.7414A>G (p.Lys2472Glu)

Gene: BRCA2 (BRCA2 DNA repair associated; plus strand). Cytogenetic location: 13q13.1.
Variant type: single nucleotide variant.
Coding change: c.7414A>G on transcript NM_000059.4 (MANE Select); coding-DNA position 7414, A replaced by G.
Protein change: p.Lys2472Glu; replaces lysine 2472 with glutamic acid.
Molecular consequence: missense variant.
Genome position (GRCh38, 1-based): chr13:32,355,267, A>G. VCF-style: chr13-32355267-A-G. GRCh37 (hg19) VCF-style: chr13-32929404-A-G.
Other names: short protein forms K2472E.
Identifiers: ClinVar variation 409420 (VCV000409420.13), dbSNP rs1060502383, ClinGen allele CA16614208.
Genomic context (GRCh38, chr13:32,355,267, plus strand): 5'-AATGAGATTCATCAGTTTAACAAAAACAACTCCAATCAAGCAGTAGCTGTAACTTTCACA[A>G]AGTGTGAAGAAGAACCTTTAGGTATTGTATGACAATTTGTGTGATGAATTTTTGCCTTTC-3'
Protein context (NP_000050.3, residues 2462-2482): SNQAVAVTFT[Lys2472Glu]CEEEPLDLIT

ClinVar aggregate classification (germline): Uncertain significance. Review status: criteria provided, multiple submitters, no conflicts (2 of 4 stars). 2 submissions from 2 submitters: Uncertain significance (2). Last evaluated 2022-02-02.

Conditions:
Hereditary cancer-predisposing syndrome. Also called: Tumor predisposition; Hereditary Cancer Syndrome; Hereditary neoplastic syndrome; Neoplastic Syndromes, Hereditary. Identifiers: Orphanet 140162, MedGen C0027672, MeSH D009386, MONDO:0015356.
Hereditary breast ovarian cancer syndrome. Also called: Hereditary breast and ovarian cancer; Hereditary breast and/or ovarian cancer syndrome; BRCA1- and BRCA2-Associated Hereditary Breast and Ovarian Cancer; Hereditary breast and ovarian cancer syndrome; Hereditary breast and ovarian cancer syndrome (HBOC); Breast and ovarian cancer. Identifiers: Orphanet 145, MedGen C0677776, MeSH D061325, MONDO:0003582. Disease mechanism: loss of function.

Submissions (2):

Labcorp Genetics (formerly Invitae), Labcorp
Classification: Uncertain significance for Hereditary breast ovarian cancer syndrome. Last evaluated: 2022-02-02. Review status: criteria provided, single submitter. Criteria: Invitae Variant Classification Sherloc (09022015). Collection method: clinical testing. Allele origin: germline.
Comment: ClinVar contains an entry for this variant (Variation ID: 409420). This variant has not been reported in the literature in individuals affected with BRCA2-related conditions. This variant is not present in population databases (gnomAD no frequency). This sequence change replaces lysine, which is basic and polar, with glutamic acid, which is acidic and polar, at codon 2472 of the BRCA2 protein (p.Lys2472Glu). Advanced modeling of protein sequence and biophysical properties (such as structural, functional, and spatial information, amino acid conservation, physicochemical variation, residue mobility, and thermodynamic stability) performed at Invitae indicates that this missense variant is not expected to disrupt BRCA2 protein function. Algorithms developed to predict the effect of sequence changes on RNA splicing suggest that this variant may create or strengthen a splice site. In summary, the available evidence is currently insufficient to determine the role of this variant in disease. Therefore, it has been classified as a Variant of Uncertain Significance.

Ambry Genetics
Classification: Uncertain significance for Hereditary cancer-predisposing syndrome. Last evaluated: 2018-12-17. Review status: criteria provided, single submitter. Criteria: Ambry Variant Classification Scheme 2023. Collection method: clinical testing. Allele origin: germline.
Comment: The p.K2472E variant (also known as c.7414A>G), located in coding exon 13 of the BRCA2 gene, results from an A to G substitution at nucleotide position 7414. The lysine at codon 2472 is replaced by glutamic acid, an amino acid with similar properties. This amino acid position is poorly conserved in available vertebrate species. In addition, this alteration is predicted to be tolerated by in silico analysis. Since supporting evidence is limited at this time, the clinical significance of this alteration remains unclear.